The following is an entry in ClinVar:

ClinVar aggregate classification (germline): Conflicting classifications of pathogenicity. Review status: criteria provided, conflicting classifications (1 of 4 stars). 4 submissions from 4 submitters: Uncertain significance (3); Likely benign (1). Last evaluated 2026-01-28.

Conditions:
Autosomal recessive limb-girdle muscular dystrophy type 2B (LGMDR2). Also called: MUSCULAR DYSTROPHY, LIMB-GIRDLE, AUTOSOMAL RECESSIVE 2; Limb-girdle muscular dystrophy, type 2B; Limb-Girdle Muscular Dystrophy Type 2B (LGMD2B); MUSCULAR DYSTROPHY, LIMB-GIRDLE, TYPE 3. Identifiers: Orphanet 268, MedGen C1850889, MONDO:0009676, OMIM 253601.
Neuromuscular disease caused by qualitative or quantitative defects of dysferlin. Also called: Qualitative or quantitative defects of dysferlin; Dysferlinopathy. Identifiers: Orphanet 207073, MedGen C2931687, MONDO:0016145.
Autosomal recessive limb-girdle muscular dystrophy. Identifiers: Orphanet 102015, MedGen C2931907, MONDO:0015152.

Allele frequency attached by ClinVar (database versions not stated): gnomAD 0.00012; TOPMed 0.00012; 1000 Genomes Project 30x 0.00016; 1000 Genomes Project 0.00020; gnomAD exomes 0.00025 and 0.00031; ExAC 0.00026.
gnomAD v4.1: 469 of 1,614,070 alleles (0.029%); highest among the groups gnomAD compares: Non-Finnish European, 0.037%; 1 homozygote.

Submissions (4):

Labcorp Genetics (formerly Invitae), Labcorp
Classification: Likely benign for Neuromuscular disease caused by qualitative or quantitative defects of dysferlin. Last evaluated: 2026-01-28. Review status: criteria provided, single submitter. Criteria: Invitae Variant Classification Sherloc (09022015). Collection method: clinical testing. Allele origin: germline.

Myriad Genetics, Inc.
Classification: Uncertain significance for Autosomal recessive limb-girdle muscular dystrophy. Last evaluated: 2025-08-26. Review status: criteria provided, single submitter. Criteria: Myriad Autosomal Dominant, Autosomal Recessive and X-Linked Classification Criteria (2023). Collection method: clinical testing. Allele origin: unknown.
Comment: NM_003494.3(DYSF):c.305A>G(N102S) is a missense variant classified as a variant of uncertain significance in the context of dysferlinopathy. N102S has been observed in cases with relevant disease (PMID: 39678382). Relevant functional assessments of this variant are not available in the literature. N102S has been observed in referenced population frequency databases. In summary, there is insufficient evidence to classify NM_003494.3(DYSF):c.305A>G(N102S) as pathogenic or benign. Please note: this variant was assessed in the context of healthy population screening.

Revvity Omics, Revvity
Classification: Uncertain significance. Last evaluated: 2024-09-20. Review status: criteria provided, single submitter. Criteria: ACMG Guidelines, 2015. Collection method: clinical testing. Allele origin: germline.

Institute of Human Genetics, University of Leipzig Medical Center
Classification: Uncertain significance for Autosomal recessive limb-girdle muscular dystrophy type 2B. Last evaluated: 2016-11-29. Review status: criteria provided, single submitter. Criteria: ACMG Guidelines, 2015. Collection method: clinical testing. Allele origin: germline. Affected: yes. Observed: 1 variant allele.

Literature cited by the submitters: PubMed 39678382 (cited by Myriad Genetics, Inc.).

NM_001130987.2(DYSF):c.308A>G (p.Asn103Ser)

Gene: DYSF (dysferlin; plus strand). Cytogenetic location: 2p13.2.
Variant type: single nucleotide variant.
Coding change: c.308A>G on transcript NM_001130987.2 (MANE Select); coding-DNA position 308, A replaced by G.
Protein change: p.Asn103Ser; replaces asparagine 103 with serine.
Molecular consequence: missense variant.
Genome position (GRCh38, 1-based): chr2:71,503,282, A>G. VCF-style: chr2-71503282-A-G. GRCh37 (hg19) VCF-style: chr2-71730412-A-G.
Other names: c.308A>G, p.Asn103Ser (NM_001130455.2, NM_001130982.2, NM_001130983.2 and 3 more transcripts); c.305A>G, p.Asn102Ser (NM_001130976.2, NM_001130977.2, NM_001130978.2 and 4 more transcripts); short protein forms N102S, N103S.
Identifiers: ClinVar variation 538621 (VCV000538621.14), dbSNP rs201834175, ClinGen allele CA1705307.